The following is an entry in ClinVar:

ClinVar aggregate classification (germline): Conflicting classifications of pathogenicity. Review status: criteria provided, conflicting classifications (1 of 4 stars). 2 submissions from 2 submitters: Uncertain significance (1); Likely benign (1). Last evaluated 2025-02-11.

Conditions:
Hereditary cancer-predisposing syndrome. Also called: Tumor predisposition; Hereditary neoplastic syndrome; Neoplastic Syndromes, Hereditary; Hereditary Cancer Syndrome. Identifiers: Orphanet 140162, MedGen C0027672, MeSH D009386, MONDO:0015356.
Pheochromocytoma/paraganglioma syndrome 5. Also called: Paragangliomas 5; SDHA-Related Hereditary Paraganglioma-Pheochromocytoma Syndrome. Identifiers: Orphanet 29072, MedGen C3279992, MONDO:0013602, OMIM 614165.
Mitochondrial complex II deficiency, nuclear type 1. Also called: SUCCINATE CoQ REDUCTASE DEFICIENCY. Identifiers: Orphanet 3208, MedGen C5700310, MONDO:0100294, OMIM 252011.

Submissions (2):

Ambry Genetics
Classification: Likely benign for Hereditary cancer-predisposing syndrome. Last evaluated: 2025-02-11. Review status: criteria provided, single submitter. Criteria: Ambry Variant Classification Scheme 2023. Collection method: clinical testing. Allele origin: germline.

Labcorp Genetics (formerly Invitae), Labcorp
Classification: Uncertain significance for Pheochromocytoma/paraganglioma syndrome 5; Mitochondrial complex II deficiency, nuclear type 1. Last evaluated: 2024-06-05. Review status: criteria provided, single submitter. Criteria: Invitae Variant Classification Sherloc (09022015). Collection method: clinical testing. Allele origin: germline.
Comment: This sequence change replaces asparagine, which is neutral and polar, with lysine, which is basic and polar, at codon 40 of the SDHA protein (p.Asn40Lys). This variant is not present in population databases (gnomAD no frequency). This variant has not been reported in the literature in individuals affected with SDHA-related conditions. ClinVar contains an entry for this variant (Variation ID: 818601). Advanced modeling of protein sequence and biophysical properties (such as structural, functional, and spatial information, amino acid conservation, physicochemical variation, residue mobility, and thermodynamic stability) performed at Invitae indicates that this missense variant is not expected to disrupt SDHA protein function with a negative predictive value of 95%. In summary, the available evidence is currently insufficient to determine the role of this variant in disease. Therefore, it has been classified as a Variant of Uncertain Significance.

NM_004168.4(SDHA):c.120C>G (p.Asn40Lys)

Gene: SDHA (succinate dehydrogenase complex flavoprotein subunit A; plus strand). Cytogenetic location: 5p15.33.
Variant type: single nucleotide variant.
Coding change: c.120C>G on transcript NM_004168.4 (MANE Select); coding-DNA position 120, C replaced by G.
Protein change: p.Asn40Lys; replaces asparagine 40 with lysine.
Molecular consequence: missense variant.
Genome position (GRCh38, 1-based): chr5:223,538, C>G. VCF-style: chr5-223538-C-G. GRCh37 (hg19) VCF-style: chr5-223653-C-G.
Other names: c.120C>G, p.Asn40Lys (NM_001294332.2, NM_001330758.2); short protein forms N40K.
Identifiers: ClinVar variation 818601 (VCV000818601.11), dbSNP rs1579379803, ClinGen allele CA359008211.
Genomic context (GRCh38, chr5:223,538, plus strand): 5'-CCAGTGGCCAACAGTGTTGCAAACAGGAACCCGAGGTTTTCACTTCACTGTTGATGGGAA[C>G]AAGAGGGCATCTGCTAAAGTTTCAGATTCCGTAAGTTCATGCTTTTTGTTCCATTATAAA-3'
Protein context (NP_004159.2, residues 30-50): TRGFHFTVDG[Asn40Lys]KRASAKVSDS